The following is an entry in ClinVar:

NM_000135.4(FANCA):c.1318G>T (p.Glu440Ter)

Gene: FANCA (FA complementation group A; minus strand). Cytogenetic location: 16q24.3.
Variant type: single nucleotide variant.
Coding change: c.1318G>T on transcript NM_000135.4 (MANE Select); coding-DNA position 1318, G replaced by T.
Protein change: p.Glu440Ter; replaces glutamic acid 440 with a stop codon.
Molecular consequence: nonsense.
Genome position (GRCh38, 1-based): chr16:89,791,444, C>A on the plus strand (G>T on the coding strand, the complement: FANCA is on the minus strand). VCF-style: chr16-89791444-C-A. GRCh37 (hg19) VCF-style: chr16-89857852-C-A.
Other names: c.1318G>T, p.Glu440Ter (NM_001286167.3); short protein forms E440*.
Identifiers: ClinVar variation 836439 (VCV000836439.9), dbSNP rs2040073991, ClinGen allele CA397463885.
Genomic context (GRCh38, chr16:89,791,444, plus strand): 5'-CGATTGGCAGGTCACTTACCTTGAACCAGTCTGCATATGACAGGAACGCAGAGGGGCCCT[C>A]CAGTGCTGCCTGGCGCACAACCAGGAACGCAGTGACCATGCTGTCCAGCTGGCAGCTCTC-3'

ClinVar aggregate classification (germline): Pathogenic/Likely pathogenic. Review status: criteria provided, multiple submitters, no conflicts (2 of 4 stars). 3 submissions from 3 submitters: Pathogenic (2); Likely pathogenic (1). Last evaluated 2024-05-08.

Conditions:
Fanconi anemia (FA). Also called: Fanconi's anemia. Identifiers: Orphanet 84, MedGen C0015625, MeSH D005199, MONDO:0019391.
Fanconi anemia complementation group A (FANCA). Also called: Fanconi anemia, group A; FANCA-Related Fanconi Anemia. Identifiers: Orphanet 84, MedGen C3469521, MONDO:0009215, OMIM 227650.

Allele frequency attached by ClinVar (database versions not stated): TOPMed below 0.00001.

Submissions (3):

Myriad Genetics, Inc.
Classification: Pathogenic for Fanconi anemia complementation group A. Last evaluated: 2024-05-08. Review status: criteria provided, single submitter. Criteria: Myriad Autosomal Dominant, Autosomal Recessive and X-Linked Classification Criteria (2023). Collection method: clinical testing. Allele origin: unknown.
Comment: NM_000135.2(FANCA):c.1318G>T(E440*) is expected to be pathogenic in the context of Fanconi anemia complementation group A. This variant is predicted to lead to an abnormal or absent protein product due to the creation of a premature termination codon in FANCA, a gene where loss-of-function variants are known to be pathogenic. Please note: this variant was assessed in the context of healthy population screening.

Fulgent Genetics
Classification: Likely pathogenic for Fanconi anemia complementation group A. Last evaluated: 2024-01-30. Review status: criteria provided, single submitter. Criteria: ACMG Guidelines, 2015. Collection method: clinical testing. Allele origin: germline.

Labcorp Genetics (formerly Invitae), Labcorp
Classification: Pathogenic for Fanconi anemia. Last evaluated: 2022-03-30. Review status: criteria provided, single submitter. Criteria: Invitae Variant Classification Sherloc (09022015). Collection method: clinical testing. Allele origin: germline.
Comment: For these reasons, this variant has been classified as Pathogenic. ClinVar contains an entry for this variant (Variation ID: 836439). This variant has not been reported in the literature in individuals affected with FANCA-related conditions. This variant is not present in population databases (gnomAD no frequency). This sequence change creates a premature translational stop signal (p.Glu440*) in the FANCA gene. It is expected to result in an absent or disrupted protein product. Loss-of-function variants in FANCA are known to be pathogenic (PMID: 19367192).

Literature cited by the submitters: PubMed 19367192 (cited by Labcorp Genetics (formerly Invitae), Labcorp).